The following is an entry in ClinVar:

NM_144670.6(A2ML1):c.1580G>T (p.Arg527Ile)

Gene: A2ML1 (alpha-2-macroglobulin like 1; plus strand). Cytogenetic location: 12p13.31.
Variant type: single nucleotide variant.
Coding change: c.1580G>T on transcript NM_144670.6 (MANE Select); coding-DNA position 1580, G replaced by T.
Protein change: p.Arg527Ile; replaces arginine 527 with isoleucine.
Molecular consequence: missense variant.
Genome position (GRCh38, 1-based): chr12:8,846,119, G>T. VCF-style: chr12-8846119-G-T. GRCh37 (hg19) VCF-style: chr12-8998715-G-T.
Other names: c.107G>T, p.Arg36Ile (NM_001282424.3); short protein forms R36I, R527I.
Identifiers: ClinVar variation 3495452 (VCV003495452.1).

ClinVar aggregate classification (germline): Uncertain significance (1 of 4 stars; one submission).

gnomAD v4.1: 1 of 1,614,172 alleles (0.000062%); highest among the groups gnomAD compares: South Asian, 0.0011%; no homozygotes.

Submission:

Ambry Genetics
Classification: Uncertain significance. Last evaluated: 2024-10-07. Review status: criteria provided, single submitter. Criteria: Ambry Variant Classification Scheme 2023. Collection method: clinical testing. Allele origin: germline.
Comment: The p.R527I variant (also known as c.1580G>T), located in coding exon 14 of the A2ML1 gene, results from a G to T substitution at nucleotide position 1580. The arginine at codon 527 is replaced by isoleucine, an amino acid with similar properties. This amino acid position is conserved. In addition, this alteration is predicted to be tolerated by in silico analysis. Based on the available evidence, the clinical significance of this variant remains unclear.